The following is an entry in ClinVar:

ClinVar aggregate classification (germline): Benign (1 of 4 stars; one submission).

Allele frequency attached by ClinVar (database versions not stated): 1000 Genomes Project 30x 0.00078; 1000 Genomes Project 0.00080; gnomAD 0.00121; gnomAD exomes 0.00125; TOPMed 0.00130.
gnomAD v4.1: 503 of 398,548 alleles (0.13%); highest among the groups gnomAD compares: Admixed American, 0.21%; 2 homozygotes.

Submission:

CeGaT Center for Human Genetics Tuebingen
Classification: Benign. Last evaluated: 2026-09-01. Review status: criteria provided, single submitter. Criteria: CeGaT Center For Human Genetics Tuebingen Variant Classification Criteria Version 2. Collection method: clinical testing. Allele origin: germline. Affected: yes. Observed: 14 variant alleles.
Comment: KCNQ1OT1: BS1, BS2

NM_000218.3(KCNQ1):c.1394-3158C>T

Genes: KCNQ1 (potassium voltage-gated channel subfamily Q member 1; plus strand), KCNQ1OT1 (KCNQ1 opposite strand/antisense transcript 1; minus strand). Cytogenetic location: 11p15.5.
Variant type: single nucleotide variant.
Coding change: c.1394-3158C>T on transcript NM_000218.3 (MANE Select); 3158 bases into the intron before coding-DNA position 1394, C replaced by T.
Molecular consequence: intron variant.
Genome position (GRCh38, 1-based): chr11:2,658,803, C>T. VCF-style: chr11-2658803-C-T. GRCh37 (hg19) VCF-style: chr11-2680033-C-T.
Other names: c.1124-3158C>T (NM_001406837.1); c.1298-3158C>T (NM_001406836.1); c.854-3158C>T (NM_001406838.1); c.1013-3158C>T (NM_181798.2).
Identifiers: ClinVar variation 2578640 (VCV002578640.25), dbSNP rs181628430, ClinGen allele CA216168337.